The following is an entry in ClinVar:

ClinVar aggregate classification (germline): Uncertain significance. Review status: criteria provided, multiple submitters, no conflicts (2 of 4 stars). 3 submissions from 3 submitters: Uncertain significance (3). Last evaluated 2026-04-20.

Conditions:
Inborn genetic diseases. Identifiers: MedGen C0950123, MeSH D030342.

Submissions (3):

Ambry Genetics
Classification: Uncertain significance for Inborn genetic diseases. Last evaluated: 2026-04-20. Review status: criteria provided, single submitter. Criteria: Ambry Variant Classification Scheme 2023. Collection method: clinical testing. Allele origin: germline.

Labcorp Genetics (formerly Invitae), Labcorp
Classification: Uncertain significance. Last evaluated: 2024-06-28. Review status: criteria provided, single submitter. Criteria: Invitae Variant Classification Sherloc (09022015). Collection method: clinical testing. Allele origin: germline.
Comment: This sequence change replaces threonine, which is neutral and polar, with isoleucine, which is neutral and non-polar, at codon 1352 of the COL2A1 protein (p.Thr1352Ile). This variant is not present in population databases (gnomAD no frequency). This variant has not been reported in the literature in individuals affected with COL2A1-related conditions. ClinVar contains an entry for this variant (Variation ID: 1695808). Advanced modeling of protein sequence and biophysical properties (such as structural, functional, and spatial information, amino acid conservation, physicochemical variation, residue mobility, and thermodynamic stability) has been performed at Invitae for this missense variant, however the output from this modeling did not meet the statistical confidence thresholds required to predict the impact of this variant on COL2A1 protein function. In summary, the available evidence is currently insufficient to determine the role of this variant in disease. Therefore, it has been classified as a Variant of Uncertain Significance.

GeneDx
Classification: Uncertain significance. Last evaluated: 2022-01-10. Review status: criteria provided, single submitter. Criteria: GeneDx Variant Classification Process June 2021. Collection method: clinical testing. Allele origin: germline. Affected: yes.
Comment: Not observed at significant frequency in large population cohorts (gnomAD); In silico analysis supports that this missense variant has a deleterious effect on protein structure/function; Has not been previously published as pathogenic or benign to our knowledge

NM_001844.5(COL2A1):c.4055C>T (p.Thr1352Ile)

Gene: COL2A1 (collagen type II alpha 1 chain; minus strand). Cytogenetic location: 12q13.11.
Variant type: single nucleotide variant.
Coding change: c.4055C>T on transcript NM_001844.5 (MANE Select); coding-DNA position 4055, C replaced by T.
Protein change: p.Thr1352Ile; replaces threonine 1352 with isoleucine.
Molecular consequence: missense variant.
Genome position (GRCh38, 1-based): chr12:47,974,694, G>A on the plus strand (C>T on the coding strand, the complement: COL2A1 is on the minus strand). VCF-style: chr12-47974694-G-A. GRCh37 (hg19) VCF-style: chr12-48368477-G-A.
Other names: c.3848C>T, p.Thr1283Ile (NM_033150.3); short protein forms T1283I, T1352I.
Identifiers: ClinVar variation 1695808 (VCV001695808.5), dbSNP rs2136508104, ClinGen allele CA384535390.